The following is an entry in ClinVar:

NM_004984.4(KIF5A):c.968G>A (p.Arg323Gln)

Gene: KIF5A (kinesin family member 5A; plus strand). Cytogenetic location: 12q13.3.
Variant type: single nucleotide variant.
Coding change: c.968G>A on transcript NM_004984.4 (MANE Select); coding-DNA position 968, G replaced by A.
Protein change: p.Arg323Gln; replaces arginine 323 with glutamine.
Molecular consequence: missense variant.
Genome position (GRCh38, 1-based): chr12:57,569,404, G>A. VCF-style: chr12-57569404-G-A. GRCh37 (hg19) VCF-style: chr12-57963187-G-A.
Other names: c.968G>A (NM_004984.2); c.701G>A, p.Arg234Gln (NM_001354705.2); short protein forms R323Q, R234Q.
Identifiers: ClinVar variation 1406446 (VCV001406446.9), dbSNP rs2140163000, ClinGen allele CA385501081.

ClinVar aggregate classification (germline): Conflicting classifications of pathogenicity. Review status: criteria provided, conflicting classifications (1 of 4 stars). 2 submissions from 2 submitters: Likely pathogenic (1); Uncertain significance (1). Last evaluated 2026-09-29.

Conditions:
Spastic paraplegia. Identifiers: MedGen C0037772, HP:0001258.

Submissions (2):

GeneDx
Classification: Likely pathogenic. Last evaluated: 2026-09-29. Review status: criteria provided, single submitter. Criteria: GeneDx Variant Classification Process June 2021. Collection method: clinical testing. Allele origin: germline.
Comment: Alters the last nucleotide of the exon and is predicted to destroy the splice donor site and result in aberrant splicing, although in the absence of functional evidence the actual effect of this sequence change is unknown; Not observed at significant frequency in large population cohorts (gnomAD); Has not been previously published as pathogenic or benign to our knowledge; In silico analysis supports that this missense variant has a deleterious effect on protein structure/function

Labcorp Genetics (formerly Invitae), Labcorp
Classification: Uncertain significance for Spastic paraplegia. Last evaluated: 2021-06-08. Review status: criteria provided, single submitter. Criteria: Invitae Variant Classification Sherloc (09022015). Collection method: clinical testing. Allele origin: germline.
Comment: This sequence change replaces arginine with glutamine at codon 323 of the KIF5A protein (p.Arg323Gln). The arginine residue is highly conserved and there is a small physicochemical difference between arginine and glutamine. This variant also falls at the last nucleotide of exon 10, which is part of the consensus splice site for this exon. In summary, the available evidence is currently insufficient to determine the role of this variant in disease. Therefore, it has been classified as a Variant of Uncertain Significance. Nucleotide substitutions within the consensus splice site are a relatively common cause of aberrant splicing (PMID: 17576681, 9536098). Algorithms developed to predict the effect of sequence changes on RNA splicing suggest that this variant may disrupt the consensus splice site, but this prediction has not been confirmed by published transcriptional studies. Algorithms developed to predict the effect of missense changes on protein structure and function (SIFT, PolyPhen-2, Align-GVGD) all suggest that this variant is likely to be disruptive, but these predictions have not been confirmed by published functional studies and their clinical significance is uncertain. This variant has not been reported in the literature in individuals with KIF5A-related conditions. This variant is not present in population databases (ExAC no frequency).

Literature cited by the submitters: PubMed 17576681 (cited by Labcorp Genetics (formerly Invitae), Labcorp); PubMed 9536098 (cited by Labcorp Genetics (formerly Invitae), Labcorp).